The following is an entry in ClinVar:

NM_001365536.1(SCN9A):c.217G>A (p.Glu73Lys)

Gene: SCN9A (sodium voltage-gated channel alpha subunit 9; minus strand). Cytogenetic location: 2q24.3.
Variant type: single nucleotide variant.
Coding change: c.217G>A on transcript NM_001365536.1 (MANE Select); coding-DNA position 217, G replaced by A.
Protein change: p.Glu73Lys; replaces glutamic acid 73 with lysine.
Molecular consequence: missense variant.
Genome position (GRCh38, 1-based): chr2:166,311,540, C>T on the plus strand (G>A on the coding strand, the complement: SCN9A is on the minus strand). VCF-style: chr2-166311540-C-T. GRCh37 (hg19) VCF-style: chr2-167168050-C-T.
Other names: c.217G>A, p.Glu73Lys (NM_002977.4); short protein forms E73K.
Identifiers: ClinVar variation 2074738 (VCV002074738.4), dbSNP rs1409339552, ClinGen allele CA349095854.
Genomic context (GRCh38, chr2:166,311,540, plus strand): 5'-GAAGTCAAAATAAACTCACCTTTTTGTCTGCATAGTAGGGGTCCAAGTCCTCCAGGGGCT[C>T]TGACACCATGCCGGGAGGAATGTCCCCATAGATGAAGGGCAGCTGTTTGCCAGCTTCCAA-3'
Protein context (NP_001352465.1, residues 63-83): YGDIPPGMVS[Glu73Lys]PLEDLDPYYA

ClinVar aggregate classification (germline): Uncertain significance (1 of 4 stars; one submission).

Conditions:
Neuropathy, hereditary sensory and autonomic, type 2A (HSAN2A). Also called: ACROOSTEOLYSIS, GIACCAI TYPE; ACROOSTEOLYSIS, NEUROGENIC; WNK1-Related HSAN2 (HSAN2A); MORVAN DISEASE; NEUROPATHY, CONGENITAL SENSORY; NEUROPATHY, HEREDITARY SENSORY RADICULAR, AUTOSOMAL RECESSIVE. Identifiers: Orphanet 970, MedGen C2752089, MONDO:0024309, OMIM 201300.
Generalized epilepsy with febrile seizures plus, type 7 (GEFSP7). Also called: GEFS+, TYPE 7. Identifiers: Orphanet 36387, MedGen C2751778, MONDO:0013470, OMIM 613863.

Allele frequency attached by ClinVar (database versions not stated): gnomAD 0.00001; gnomAD exomes 0.00001.
gnomAD v4.1: 8 of 1,612,442 alleles (0.0005%); highest among the groups gnomAD compares: South Asian, 0.0033%; no homozygotes.

Submission:

Labcorp Genetics (formerly Invitae), Labcorp
Classification: Uncertain significance for Neuropathy, hereditary sensory and autonomic, type 2A; Generalized epilepsy with febrile seizures plus, type 7. Last evaluated: 2025-07-13. Review status: criteria provided, single submitter. Criteria: Invitae Variant Classification Sherloc (09022015). Collection method: clinical testing. Allele origin: germline.
Comment: This sequence change replaces glutamic acid, which is acidic and polar, with lysine, which is basic and polar, at codon 73 of the SCN9A protein (p.Glu73Lys). This variant is present in population databases (no rsID available, gnomAD 0.007%). This variant has not been reported in the literature in individuals affected with SCN9A-related conditions. ClinVar contains an entry for this variant (Variation ID: 2074738). Invitae Evidence Modeling of protein sequence and biophysical properties (such as structural, functional, and spatial information, amino acid conservation, physicochemical variation, residue mobility, and thermodynamic stability) indicates that this missense variant is not expected to disrupt SCN9A protein function with a negative predictive value of 95%. In summary, the available evidence is currently insufficient to determine the role of this variant in disease. Therefore, it has been classified as a Variant of Uncertain Significance.